The following is an entry in ClinVar:

ClinVar aggregate classification (germline): Uncertain significance (1 of 4 stars; one submission).

Conditions:
Schuurs-Hoeijmakers syndrome. Also called: PACS1-Related Neurodevelopmental Disorder. Identifiers: Orphanet 329224, MedGen C3554343, MONDO:0014006, OMIM 615009.

Submission:

Labcorp Genetics (formerly Invitae), Labcorp
Classification: Uncertain significance for Schuurs-Hoeijmakers syndrome. Last evaluated: 2024-10-10. Review status: criteria provided, single submitter. Criteria: Invitae Variant Classification Sherloc (09022015). Collection method: clinical testing. Allele origin: germline.
Comment: This sequence change replaces leucine, which is neutral and non-polar, with glutamine, which is neutral and polar, at codon 828 of the PACS1 protein (p.Leu828Gln). This variant is not present in population databases (gnomAD no frequency). This variant has not been reported in the literature in individuals affected with PACS1-related conditions. Invitae Evidence Modeling of protein sequence and biophysical properties (such as structural, functional, and spatial information, amino acid conservation, physicochemical variation, residue mobility, and thermodynamic stability) has been performed for this missense variant. However, the output from this modeling did not meet the statistical confidence thresholds required to predict the impact of this variant on PACS1 protein function. In summary, the available evidence is currently insufficient to determine the role of this variant in disease. Therefore, it has been classified as a Variant of Uncertain Significance.

NM_018026.4(PACS1):c.2483T>A (p.Leu828Gln)

Gene: PACS1 (phosphofurin acidic cluster sorting protein 1; plus strand). Cytogenetic location: 11q13.2.
Variant type: single nucleotide variant.
Coding change: c.2483T>A on transcript NM_018026.4 (MANE Select); coding-DNA position 2483, T replaced by A.
Protein change: p.Leu828Gln; replaces leucine 828 with glutamine.
Molecular consequence: missense variant.
Genome position (GRCh38, 1-based): chr11:66,241,480, T>A. VCF-style: chr11-66241480-T-A. GRCh37 (hg19) VCF-style: chr11-66008951-T-A.
Other names: short protein forms L828Q.
Identifiers: ClinVar variation 3704861 (VCV003704861.2).